The following is an entry in ClinVar:

ClinVar aggregate classification (germline): Uncertain significance (1 of 4 stars; one submission).

Conditions:
Fanconi anemia (FA). Also called: Fanconi's anemia. Identifiers: Orphanet 84, MedGen C0015625, MeSH D005199, MONDO:0019391.

gnomAD v4.1: 3 of 1,209,652 alleles (0.00025%); highest among the groups gnomAD compares: Non-Finnish European, 0.00034%; no homozygotes.

Submission:

Labcorp Genetics (formerly Invitae), Labcorp
Classification: Uncertain significance for Fanconi anemia. Last evaluated: 2026-01-11. Review status: criteria provided, single submitter. Criteria: Invitae Variant Classification Sherloc (09022015). Collection method: clinical testing. Allele origin: germline.
Comment: This sequence change replaces alanine, which is neutral and non-polar, with glycine, which is neutral and non-polar, at codon 653 of the FANCB protein (p.Ala653Gly). This variant is not present in population databases (gnomAD no frequency). This variant has not been reported in the literature in individuals affected with FANCB-related conditions. Invitae Evidence Modeling of protein sequence and biophysical properties (such as structural, functional, and spatial information, amino acid conservation, physicochemical variation, residue mobility, and thermodynamic stability) has been performed for this missense variant. However, the output from this modeling did not meet the statistical confidence thresholds required to predict the impact of this variant on FANCB protein function. In summary, the available evidence is currently insufficient to determine the role of this variant in disease. Therefore, it has been classified as a Variant of Uncertain Significance.

NM_001018113.3(FANCB):c.1958C>G (p.Ala653Gly)

Gene: FANCB (FA complementation group B; minus strand). Cytogenetic location: Xp22.2.
Variant type: single nucleotide variant.
Coding change: c.1958C>G on transcript NM_001018113.3 (MANE Select); coding-DNA position 1958, C replaced by G.
Protein change: p.Ala653Gly; replaces alanine 653 with glycine.
Molecular consequence: missense variant.
Genome position (GRCh38, 1-based): chrX:14,844,710, G>C on the plus strand (C>G on the coding strand, the complement: FANCB is on the minus strand). VCF-style: chrX-14844710-G-C. GRCh37 (hg19) VCF-style: chrX-14862832-G-C.
Other names: c.1958C>G, p.Ala653Gly (NM_001324162.2, NM_001410764.1, NM_152633.4); short protein forms A653G.
Identifiers: ClinVar variation 4746662 (VCV004746662.1).